The following is an entry in ClinVar:

NM_025137.4(SPG11):c.4498A>T (p.Thr1500Ser)

Gene: SPG11 (SPG11 vesicle trafficking associated, spatacsin; minus strand). Cytogenetic location: 15q21.1.
Variant type: single nucleotide variant.
Coding change: c.4498A>T on transcript NM_025137.4 (MANE Select); coding-DNA position 4498, A replaced by T.
Protein change: p.Thr1500Ser; replaces threonine 1500 with serine.
Molecular consequence: missense variant.
Genome position (GRCh38, 1-based): chr15:44,595,396, T>A on the plus strand (A>T on the coding strand, the complement: SPG11 is on the minus strand). VCF-style: chr15-44595396-T-A. GRCh37 (hg19) VCF-style: chr15-44887594-T-A.
Other names: c.4498A>T (NM_025137.3); c.4498A>T, p.Thr1500Ser (NM_001160227.2); short protein forms T1500S.
Identifiers: ClinVar variation 1381917 (VCV001381917.6), dbSNP rs758867131, ClinGen allele CA392226631.

ClinVar aggregate classification (germline): Uncertain significance. Review status: criteria provided, multiple submitters, no conflicts (2 of 4 stars). 2 submissions from 2 submitters: Uncertain significance (2). Last evaluated 2025-04-01.

Conditions:
Inborn genetic diseases. Identifiers: MedGen C0950123, MeSH D030342.
Hereditary spastic paraplegia 11. Also called: Spastic paraplegia, mental retardation and thin corpus callosum; SPASTIC PARAPLEGIA, AUTOSOMAL RECESSIVE, COMPLICATED, WITH THIN CORPUS CALLOSUM; SPASTIC PARAPLEGIA, AUTOSOMAL RECESSIVE, WITH MENTAL IMPAIRMENT AND THIN CORPUS CALLOSUM; Nakamura Osame syndrome; Autosomal recessive hereditary spastic paraplegia, mental impairment, and thin corpus callosum; Spastic Paraplegia 11. Identifiers: Orphanet 2822, MedGen C1858479, MONDO:0011445, OMIM 604360.

gnomAD v4.1: 3 of 1,614,200 alleles (0.00019%); highest among the groups gnomAD compares: Admixed American, 0.0017%; no homozygotes.

Submissions (2):

Ambry Genetics
Classification: Uncertain significance for Inborn genetic diseases. Last evaluated: 2025-04-01. Review status: criteria provided, single submitter. Criteria: Ambry Variant Classification Scheme 2023. Collection method: clinical testing. Allele origin: germline.

Labcorp Genetics (formerly Invitae), Labcorp
Classification: Uncertain significance for Hereditary spastic paraplegia 11. Last evaluated: 2022-03-14. Review status: criteria provided, single submitter. Criteria: Invitae Variant Classification Sherloc (09022015). Collection method: clinical testing. Allele origin: germline.
Comment: This sequence change replaces threonine, which is neutral and polar, with serine, which is neutral and polar, at codon 1500 of the SPG11 protein (p.Thr1500Ser). This variant is present in population databases (no rsID available, gnomAD 0.003%). This variant has not been reported in the literature in individuals affected with SPG11-related conditions. Algorithms developed to predict the effect of missense changes on protein structure and function (SIFT, PolyPhen-2, Align-GVGD) all suggest that this variant is likely to be tolerated. In summary, the available evidence is currently insufficient to determine the role of this variant in disease. Therefore, it has been classified as a Variant of Uncertain Significance.